The following is an entry in ClinVar:

NM_001252024.2(TRPM1):c.3469dup (p.Asp1157fs)

Genes: TRPM1 (transient receptor potential cation channel subfamily M member 1; minus strand), TRPM1-AS1 (TRPM1 antisense RNA 1; plus strand), LOC126862088 (BRD4-independent group 4 enhancer GRCh37_chr15:31318084-31319283; plus strand). Cytogenetic location: 15q13.3.
Variant type: Duplication.
Coding change: c.3469dup on transcript NM_001252024.2 (MANE Select); coding-DNA position 3469, one base duplicated (G; older notation c.3469dupG).
Protein change: p.Asp1157fs; shifts the reading frame from aspartic acid 1157.
Molecular consequence: frameshift variant.
Genome position (GRCh38, 1-based): chr15:31,026,942, C duplicated on the plus strand (G on the coding strand, the reverse complement: TRPM1 is on the minus strand); the first of 4 consecutive C bases (chr15:31,026,942-31,026,945); duplicating any one gives the same sequence. VCF-style (leftmost placement, unchanged base first): chr15-31026941-T-TC. GRCh37 (hg19) VCF-style: chr15-31319144-T-TC.
Other names: c.3520dup, p.Asp1174fs (NM_001252020.2); c.3403dup, p.Asp1135fs (NM_002420.6); short protein forms D1135fs, D1157fs, D1174fs.
Identifiers: ClinVar variation 1926729 (VCV001926729.5), dbSNP rs2543163481, ClinGen allele CA2575660495.
Genomic context (GRCh38, chr15:31,026,941, plus strand): 5'-AGCCCAACTTAGAAATGAAGAGCCCTGCACATACTCAATCCACGATCCCGTTCCTCTTGG[T>TC]CCCCTTCTCTCTTTTTCCTGCAGCGGCCGCTGAGACGCATAATGATGATGTAGATGTGGC-3'

ClinVar aggregate classification (germline): Pathogenic (1 of 4 stars; one submission).

Submission:

Labcorp Genetics (formerly Invitae), Labcorp
Classification: Pathogenic. Last evaluated: 2022-05-23. Review status: criteria provided, single submitter. Criteria: Invitae Variant Classification Sherloc (09022015). Collection method: clinical testing. Allele origin: germline.
Comment: This variant has not been reported in the literature in individuals affected with TRPM1-related conditions. This variant is not present in population databases (gnomAD no frequency). This sequence change creates a premature translational stop signal (p.Asp1135Glyfs*14) in the TRPM1 gene. It is expected to result in an absent or disrupted protein product. Loss-of-function variants in TRPM1 are known to be pathogenic (PMID: 19896113, 19966281, 20300565). For these reasons, this variant has been classified as Pathogenic.

Literature cited by the submitters: PubMed 19896113; PubMed 19966281; PubMed 20300565.